The following is an entry in ClinVar:

NM_001844.5(COL2A1):c.623C>T (p.Pro208Leu)

Gene: COL2A1 (collagen type II alpha 1 chain; minus strand). Cytogenetic location: 12q13.11.
Variant type: single nucleotide variant.
Coding change: c.623C>T on transcript NM_001844.5 (MANE Select); coding-DNA position 623, C replaced by T.
Protein change: p.Pro208Leu; replaces proline 208 with leucine.
Molecular consequence: missense variant.
Genome position (GRCh38, 1-based): chr12:47,995,906, G>A on the plus strand (C>T on the coding strand, the complement: COL2A1 is on the minus strand). VCF-style: chr12-47995906-G-A. GRCh37 (hg19) VCF-style: chr12-48389689-G-A.
Other names: c.416C>T, p.Pro139Leu (NM_033150.3); short protein forms P139L, P208L.
Identifiers: ClinVar variation 1013348 (VCV001013348.43), dbSNP rs1049536561, ClinGen allele CA236491744.

ClinVar aggregate classification (germline): Uncertain significance. Review status: criteria provided, multiple submitters, no conflicts (2 of 4 stars). 2 submissions from 2 submitters: Uncertain significance (2). Last evaluated 2025-12-08.

Allele frequency attached by ClinVar (database versions not stated): gnomAD exomes below 0.00001; TOPMed 0.00001.
gnomAD v4.1: 1 of 1,613,672 alleles (0.000062%); highest among the groups gnomAD compares: Non-Finnish European, 0.000085%; no homozygotes.

Submissions (2):

Labcorp Genetics (formerly Invitae), Labcorp
Classification: Uncertain significance. Last evaluated: 2025-12-08. Review status: criteria provided, single submitter. Criteria: Invitae Variant Classification Sherloc (09022015). Collection method: clinical testing. Allele origin: germline.
Comment: This sequence change replaces proline, which is neutral and non-polar, with leucine, which is neutral and non-polar, at codon 208 of the COL2A1 protein (p.Pro208Leu). This variant is not present in population databases (gnomAD no frequency). This variant has not been reported in the literature in individuals affected with COL2A1-related conditions. ClinVar contains an entry for this variant (Variation ID: 1013348). Invitae Evidence Modeling of protein sequence and biophysical properties (such as structural, functional, and spatial information, amino acid conservation, physicochemical variation, residue mobility, and thermodynamic stability) indicates that this missense variant is expected to disrupt COL2A1 protein function with a positive predictive value of 95%. In summary, the available evidence is currently insufficient to determine the role of this variant in disease. Therefore, it has been classified as a Variant of Uncertain Significance.

CeGaT Center for Human Genetics Tuebingen
Classification: Uncertain significance. Last evaluated: 2021-03-01. Review status: criteria provided, single submitter. Criteria: CeGaT Center For Human Genetics Tuebingen Variant Classification Criteria Version 2. Collection method: clinical testing. Allele origin: germline. Affected: yes. Observed: 1 variant allele.